The following is an entry in ClinVar:

NM_006231.4(POLE):c.3597G>T (p.Glu1199Asp)

Gene: POLE (DNA polymerase epsilon, catalytic subunit; minus strand). Cytogenetic location: 12q24.33.
Variant type: single nucleotide variant.
Coding change: c.3597G>T on transcript NM_006231.4 (MANE Select); coding-DNA position 3597, G replaced by T.
Protein change: p.Glu1199Asp; replaces glutamic acid 1199 with aspartic acid.
Molecular consequence: missense variant.
Genome position (GRCh38, 1-based): chr12:132,649,875, C>A on the plus strand (G>T on the coding strand, the complement: POLE is on the minus strand). VCF-style: chr12-132649875-C-A. GRCh37 (hg19) VCF-style: chr12-133226461-C-A.
Other names: c.3597G>T (NM_006231.2); short protein forms E1199D.
Identifiers: ClinVar variation 1430892 (VCV001430892.7), dbSNP rs2138615621, ClinGen allele CA387387038.

ClinVar aggregate classification (germline): Conflicting classifications of pathogenicity. Review status: criteria provided, conflicting classifications (1 of 4 stars). 2 submissions from 2 submitters: Uncertain significance (1); Likely benign (1). Last evaluated 2025-10-28.

Conditions:
Hereditary cancer-predisposing syndrome. Also called: Hereditary Cancer Syndrome; Hereditary neoplastic syndrome; Neoplastic Syndromes, Hereditary; Tumor predisposition. Identifiers: Orphanet 140162, MedGen C0027672, MeSH D009386, MONDO:0015356.

Submissions (2):

Labcorp Genetics (formerly Invitae), Labcorp
Classification: Uncertain significance. Last evaluated: 2025-10-28. Review status: criteria provided, single submitter. Criteria: Invitae Variant Classification Sherloc (09022015). Collection method: clinical testing. Allele origin: germline.
Comment: This sequence change replaces glutamic acid, which is acidic and polar, with aspartic acid, which is acidic and polar, at codon 1199 of the POLE protein (p.Glu1199Asp). This variant is not present in population databases (gnomAD no frequency). This variant has not been reported in the literature in individuals affected with POLE-related conditions. ClinVar contains an entry for this variant (Variation ID: 1430892). An algorithm developed to predict the effect of missense changes on protein structure and function (PolyPhen-2) suggests that this variant is likely to be tolerated. In summary, the available evidence is currently insufficient to determine the role of this variant in disease. Therefore, it has been classified as a Variant of Uncertain Significance.

Ambry Genetics
Classification: Likely benign for Hereditary cancer-predisposing syndrome. Last evaluated: 2025-06-02. Review status: criteria provided, single submitter. Criteria: Ambry Variant Classification Scheme 2023. Collection method: clinical testing. Allele origin: germline.